The following is an entry in ClinVar:

NM_003995.4(NPR2):c.1956G>A (p.Val652=)

Gene: NPR2 (natriuretic peptide receptor 2; plus strand). Cytogenetic location: 9p13.3.
Variant type: single nucleotide variant.
Coding change: c.1956G>A on transcript NM_003995.4 (MANE Select); coding-DNA position 1956, G replaced by A.
Protein change: p.Val652=; no amino-acid change (valine 652 retained).
Molecular consequence: synonymous variant.
Genome position (GRCh38, 1-based): chr9:35,805,579, G>A. VCF-style: chr9-35805579-G-A. GRCh37 (hg19) VCF-style: chr9-35805576-G-A.
Other names: c.1965G>A, p.Val655= (NM_001378923.1).
Identifiers: ClinVar variation 2924859 (VCV002924859.3), dbSNP rs769661213, ClinGen allele CA5051862.

ClinVar aggregate classification (germline): Uncertain significance (1 of 4 stars; one submission).

Conditions:
Acromesomelic dysplasia 1, Maroteaux type (AMD1). Also called: ACROMESOMELIC DYSPLASIA 1; ST. HELENA DYSPLASIA. Identifiers: Orphanet 40, MedGen C1864356, MONDO:0011275, OMIM 602875.
Tall stature-scoliosis-macrodactyly of the great toes syndrome. Also called: Epiphyseal chondrodysplasia, miura type. Identifiers: Orphanet 329191, MedGen C4014690, MONDO:0014401, OMIM 615923.

Allele frequency attached by ClinVar (database versions not stated): gnomAD 0.00001.
gnomAD v4.1: 7 of 1,614,026 alleles (0.00043%); highest among the groups gnomAD compares: Admixed American, 0.0017%; no homozygotes.

Submission:

Labcorp Genetics (formerly Invitae), Labcorp
Classification: Uncertain significance for Tall stature-scoliosis-macrodactyly of the great toes syndrome; Acromesomelic dysplasia 1, Maroteaux type. Last evaluated: 2023-02-22. Review status: criteria provided, single submitter. Criteria: Invitae Variant Classification Sherloc (09022015). Collection method: clinical testing. Allele origin: germline.
Comment: In summary, the available evidence is currently insufficient to determine the role of this variant in disease. Therefore, it has been classified as a Variant of Uncertain Significance. Algorithms developed to predict the effect of sequence changes on RNA splicing suggest that this variant may disrupt the consensus splice site. This variant has not been reported in the literature in individuals affected with NPR2-related conditions. This variant is present in population databases (rs769661213, gnomAD 0.0009%). This sequence change affects codon 652 of the NPR2 mRNA. It is a 'silent' change, meaning that it does not change the encoded amino acid sequence of the NPR2 protein.